The following is an entry in ClinVar:

ClinVar aggregate classification (germline): Pathogenic/Likely pathogenic. Review status: criteria provided, multiple submitters, no conflicts (2 of 4 stars). 7 submissions from 7 submitters: Pathogenic (2); Likely pathogenic (4). 1 of the submissions does not count toward it. Last evaluated 2026-01-12.

Conditions:
Rare genetic deafness. Identifiers: Orphanet 96210, MedGen C5680250.
Usher syndrome. Also called: Usher Syndromes; Usher's syndrome. Identifiers: Orphanet 886, MedGen CN469326, MeSH D052245, MONDO:0019501. Disease mechanism: loss of function.
USH2A-related disorder. Also called: USH2A-related disorders; USH2A-related condition. Identifiers: MedGen CN239332.

Allele frequency attached by ClinVar (database versions not stated): gnomAD 0.00001; TOPMed 0.00001.
gnomAD v4.1: 6 of 1,613,618 alleles (0.00037%); highest among the groups gnomAD compares: Admixed American, 0.0083%; no homozygotes.

Submissions (7):

PreventionGenetics, part of Exact Sciences
Classification: Likely pathogenic for USH2A-related condition. Last evaluated: 2026-01-12. Review status: criteria provided, single submitter. Criteria: ACMG Guidelines, 2015. Collection method: clinical testing. Allele origin: germline.
Comment: The USH2A c.3408T>A variant is predicted to result in the amino acid substitution p.Ser1136Arg. To our knowledge, this variant has not been reported in the literature. This variant has been observed along with a pathogenic USH2A variant in multiple unrelated individuals undergoing testing for Usher syndrome (PreventionGenetics internal data). An alternate substitution of this amino acid residue (p.Ser1136Asn) has been reported many times in individuals with Usher syndrome or unspecified retinal disease (see for example: Le Quesne Stabej et al. 2012. PubMed ID: 22135276). This variant is predicted to be damaging to the encoded protein (Liu X et al. 2016. PMID:26555599). This variant is present in 0.0029% of alleles in individuals of Latino descent in gnomAD. This variant is interpreted as likely pathogenic.

Labcorp Genetics (formerly Invitae), Labcorp
Classification: Pathogenic. Last evaluated: 2025-08-22. Review status: criteria provided, single submitter. Criteria: Invitae Variant Classification Sherloc (09022015). Collection method: clinical testing. Allele origin: germline.
Comment: This sequence change replaces serine, which is neutral and polar, with arginine, which is basic and polar, at codon 1136 of the USH2A protein (p.Ser1136Arg). This variant is present in population databases (no rsID available, gnomAD 0.003%). This missense change has been observed in individuals with clinical features of USH2A-related conditions (internal data). ClinVar contains an entry for this variant (Variation ID: 418534). Invitae Evidence Modeling of protein sequence and biophysical properties (such as structural, functional, and spatial information, amino acid conservation, physicochemical variation, residue mobility, and thermodynamic stability) indicates that this missense variant is expected to disrupt USH2A protein function with a positive predictive value of 95%. This variant disrupts the p.Ser1136 amino acid residue in USH2A. Other variant(s) that disrupt this residue have been determined to be pathogenic (PMID: 22135276, 25991456, 27460420, 27957503, 28512305, 30718709). This suggests that this residue is clinically significant, and that variants that disrupt this residue are likely to be disease-causing. For these reasons, this variant has been classified as Pathogenic.

Women's Health and Genetics/Laboratory Corporation of America, LabCorp
Classification: Pathogenic for Usher syndrome. Last evaluated: 2025-07-03. Review status: criteria provided, single submitter. Criteria: LabCorp Variant Classification Summary - May 2015. Collection method: clinical testing. Allele origin: germline.
Comment: Variant summary: USH2A c.3408T>A (p.Ser1136Arg) results in a non-conservative amino acid change located in the Fibronectin type III domain (IPR003961) of the encoded protein sequence. Algorithms developed to predict the effect of missense changes on protein structure and function all suggest that this variant is likely to be disruptive. The variant allele was found at a frequency of 4e-06 in 251178 control chromosomes. c.3408T>A has been observed in individuals affected with clinical features of Usher Syndrome and related disorders, including retinitis pigmentosa and/or hearing loss (internal data). These data indicate that the variant is likely to be associated with disease. To our knowledge, no experimental evidence demonstrating an impact on protein function has been reported. However, a different variant affecting the same codon has been classified as pathogenic (c.3407G>A, p.Ser1136Asn), supporting the critical relevance of codon 1136 to USH2A protein function. ClinVar contains an entry for this variant (Variation ID: 418534). Based on the evidence outlined above, the variant was classified as pathogenic.

GeneDx
Classification: Likely pathogenic. Last evaluated: 2022-12-21. Review status: criteria provided, single submitter. Criteria: GeneDx Variant Classification Process June 2021. Collection method: clinical testing. Allele origin: germline. Affected: yes.
Comment: Not observed at a significant frequency in large population cohorts (gnomAD); In silico analysis supports that this missense variant has a deleterious effect on protein structure/function; A different missense change at this residue (S1136N) has been classified as likely pathogenic by the ClinGen Hearing Loss Variant Curation Expert Panel (SCV000840537.3; Oza et al., 2018); Has not been previously published as pathogenic or benign to our knowledge; This variant is associated with the following publications: (PMID: 30311386)

Blueprint Genetics
Classification: Likely pathogenic for USH2A-related disorders. Last evaluated: 2022-11-30. Review status: criteria provided, single submitter. Criteria: ACMG Guidelines, 2015. Collection method: clinical testing. Allele origin: germline. Affected: yes. Observed: 3 variant alleles.

Laboratory for Molecular Medicine, Mass General Brigham Personalized Medicine
Classification: Likely pathogenic for Rare genetic deafness. Last evaluated: 2017-11-01. Review status: criteria provided, single submitter. Criteria: LMM Criteria. Collection method: clinical testing. Allele origin: germline. Inheritance: Autosomal recessive inheritance. Observed: 3 variant alleles.
Comment: The p.Ser1136Arg variant in USH2A has been reported in 1 infant with congenital mild to moderate hearing loss who was compound heterozygous for a second USH2A v ariant, and the two variants segregated in an affected sibling. This variant has also been reported in ClinVar (Variation ID: 418534). Another amino acid change at the same position has been reported in 1 individual with Usher syndrome who was compound heterozygous for a second pathogenic USH2A variant (Le Quesne Stabe j 2012, Bonnet 2016). The p.Ser1136Arg variant has been identified in 1/33578 La tino chromosomes by the Genome Aggregation Database (gnomAD; dbSNP rs1064793287). Although this variant has been seen in the general population, its frequency is low enough to be consistent with a recessiv e carrier frequency. Computational prediction tools and conservation analyses su ggest that this variant may impact the protein, though this information is not p redictive enough to determine pathogenicity. In summary, although additional stu dies are required to fully establish its clinical significance, this variant is likely pathogenic. ACMG/AMP Criteria applied: PM2, PM5, PP3, PM3_Supporting.

ARUP Laboratories, Molecular Genetics and Genomics, ARUP Laboratories
Classification: Uncertain significance. Last evaluated: 2018-03-12. Review status: flagged submission. Criteria: ARUP Molecular Germline Variant Investigation Process. Collection method: clinical testing. Allele origin: germline. Not counted in ClinVar's aggregate classification.
Comment: The USH2A c.3408T>A; p.Ser1136Arg variant, to our knowledge, is not reported in the medical literature, gene specific variation databases, nor has it been previously identified by our laboratory. However, another variant affecting the same codon, Ser1136Asn, was found in a patient with Usher syndrome (Le Quesne Stabej 2012). This variant is listed in the genome Aggregation Database (gnomAD) with an overall population frequency of 0.0004% (identified on 1 out of 245,946 chromosomes) and is classified as likely pathogenic in ClinVar (ID: 418534). The serine at position 1136 is moderately conserved, considering 12 species, and computational analyses of the effects of the p.Ser1136Arg variant on protein structure and function make conflicting predictions (SIFT: tolerated, PolyPhen-2: probably damaging). Although the available information suggests that it may be pathogenic, the clinical significance of the p.Ser1136Arg variant cannot be determined with certainty.
ClinVar note: Reason: Outlier claim with insufficient supporting evidence

Literature cited by the submitters: PubMed 22135276 (cited by Labcorp Genetics (formerly Invitae), Labcorp and Laboratory for Molecular Medicine, Mass General Brigham Personalized Medicine); PubMed 25991456 (cited by Labcorp Genetics (formerly Invitae), Labcorp); PubMed 27460420 (cited by Labcorp Genetics (formerly Invitae), Labcorp); PubMed 27957503 (cited by Labcorp Genetics (formerly Invitae), Labcorp); PubMed 28512305 (cited by Labcorp Genetics (formerly Invitae), Labcorp); PubMed 30718709 (cited by Labcorp Genetics (formerly Invitae), Labcorp).

NM_206933.4(USH2A):c.3408T>A (p.Ser1136Arg)

Genes: USH2A (usherin; minus strand), USH2A-AS1 (USH2A antisense RNA 1; plus strand). Cytogenetic location: 1q41.
Variant type: single nucleotide variant.
Coding change: c.3408T>A on transcript NM_206933.4 (MANE Select); coding-DNA position 3408, T replaced by A.
Protein change: p.Ser1136Arg; replaces serine 1136 with arginine.
Molecular consequence: missense variant.
Genome position (GRCh38, 1-based): chr1:216,200,030, A>T on the plus strand (T>A on the coding strand, the complement: USH2A is on the minus strand). VCF-style: chr1-216200030-A-T. GRCh37 (hg19) VCF-style: chr1-216373372-A-T.
Other names: c.3408T>A, p.Ser1136Arg (NM_007123.6); short protein forms S1136R.
Identifiers: ClinVar variation 418534 (VCV000418534.27), dbSNP rs1064793287, ClinGen allele CA16617061.